The following is an entry in ClinVar:

ClinVar aggregate classification (germline): Uncertain significance. Review status: criteria provided, multiple submitters, no conflicts (2 of 4 stars). 2 submissions from 2 submitters: Uncertain significance (2). Last evaluated 2025-06-12.

Allele frequency attached by ClinVar (database versions not stated): gnomAD exomes 0.00001; ExAC 0.00003; gnomAD 0.00003; TOPMed 0.00004; 1000 Genomes Project 0.00020; 1000 Genomes Project 30x 0.00062.
gnomAD v4.1: 15 of 1,573,948 alleles (0.00095%); highest among the groups gnomAD compares: Admixed American, 0.025%; no homozygotes.

Submissions (2):

Ambry Genetics
Classification: Uncertain significance. Last evaluated: 2025-06-12. Review status: criteria provided, single submitter. Criteria: Ambry Variant Classification Scheme 2023. Collection method: clinical testing. Allele origin: germline.

Labcorp Genetics (formerly Invitae), Labcorp
Classification: Uncertain significance. Last evaluated: 2023-09-20. Review status: criteria provided, single submitter. Criteria: Invitae Variant Classification Sherloc (09022015). Collection method: clinical testing. Allele origin: germline.
Comment: In summary, the available evidence is currently insufficient to determine the role of this variant in disease. Therefore, it has been classified as a Variant of Uncertain Significance. Advanced modeling of protein sequence and biophysical properties (such as structural, functional, and spatial information, amino acid conservation, physicochemical variation, residue mobility, and thermodynamic stability) performed at Invitae indicates that this missense variant is not expected to disrupt MYH7B protein function. This variant has not been reported in the literature in individuals affected with MYH7B-related conditions. This variant is present in population databases (rs202198515, gnomAD 0.02%). This sequence change replaces glycine, which is neutral and non-polar, with aspartic acid, which is acidic and polar, at codon 1744 of the MYH7B protein (p.Gly1744Asp).

NM_020884.7(MYH7B):c.5105G>A (p.Gly1702Asp)

Gene: MYH7B (myosin heavy chain 7B; plus strand). Cytogenetic location: 20q11.22.
Variant type: single nucleotide variant.
Coding change: c.5105G>A on transcript NM_020884.7 (MANE Select); coding-DNA position 5105, G replaced by A.
Protein change: p.Gly1702Asp; replaces glycine 1702 with aspartic acid.
Molecular consequence: missense variant.
Genome position (GRCh38, 1-based): chr20:35,000,616, G>A. VCF-style: chr20-35000616-G-A. GRCh37 (hg19) VCF-style: chr20-33588419-G-A.
Other names: c.5231G>A (NM_020884.3); short protein forms G1702D.
Identifiers: ClinVar variation 2712489 (VCV002712489.4), dbSNP rs202198515, ClinGen allele CA9828421.